The following is an entry in ClinVar:

ClinVar aggregate classification (germline): Uncertain significance (1 of 4 stars; one submission).

Conditions:
Pitt-Hopkins-like syndrome 2 (PTHSL2). Identifiers: Orphanet 221150, Orphanet 600663, MedGen C3280479, MONDO:0013690, OMIM 614325.

Allele frequency attached by ClinVar (database versions not stated): ExAC 0.00001; gnomAD exomes 0.00001.
gnomAD v4.1: 3 of 1,613,712 alleles (0.00019%); highest among the groups gnomAD compares: Non-Finnish European, 0.00025%; no homozygotes.

Submission:

Labcorp Genetics (formerly Invitae), Labcorp
Classification: Uncertain significance for Pitt-Hopkins-like syndrome 2. Last evaluated: 2018-08-20. Review status: criteria provided, single submitter. Criteria: Invitae Variant Classification Sherloc (09022015). Collection method: clinical testing. Allele origin: germline.
Comment: In summary, the available evidence is currently insufficient to determine the role of this variant in disease. Therefore, it has been classified as a Variant of Uncertain Significance. Algorithms developed to predict the effect of missense changes on protein structure and function (SIFT, PolyPhen-2, Align-GVGD) all suggest that this variant is likely to be tolerated, but these predictions have not been confirmed by published functional studies and their clinical significance is uncertain. This variant has not been reported in the literature in individuals with NRXN1-related disease. This variant is present in population databases (rs751754721, ExAC 0.001%). This sequence change replaces asparagine with serine at codon 515 of the NRXN1 protein (p.Asn515Ser). The asparagine residue is highly conserved and there is a small physicochemical difference between asparagine and serine.

NM_001330078.2(NRXN1):c.1424A>G (p.Asn475Ser)

Gene: NRXN1 (neurexin 1; minus strand). Cytogenetic location: 2p16.3.
Variant type: single nucleotide variant.
Coding change: c.1424A>G on transcript NM_001330078.2 (MANE Select); coding-DNA position 1424, A replaced by G.
Protein change: p.Asn475Ser; replaces asparagine 475 with serine.
Molecular consequence: missense variant.
Genome position (GRCh38, 1-based): chr2:50,552,922, T>C on the plus strand (A>G on the coding strand, the complement: NRXN1 is on the minus strand). VCF-style: chr2-50552922-T-C. GRCh37 (hg19) VCF-style: chr2-50780060-T-C.
Other names: c.1544A>G, p.Asn515Ser (NM_001135659.3); c.1400A>G, p.Asn467Ser (NM_001330077.2, NM_001330082.2, NM_001330095.2); c.1385A>G, p.Asn462Ser (NM_001330083.2, NM_001330084.2); c.1424A>G, p.Asn475Ser (NM_001330085.2, NM_001330086.2, NM_004801.6); c.1340A>G, p.Asn447Ser (NM_001330087.2, NM_001330096.2); c.1370A>G, p.Asn457Ser (NM_001330088.2); c.1421A>G, p.Asn474Ser (NM_001330093.2); c.1412A>G, p.Asn471Ser (NM_001330094.2); short protein forms N457S, N474S, N475S, N447S, N462S, N515S, N467S, N471S.
Identifiers: ClinVar variation 650658 (VCV000650658.8), dbSNP rs751754721, ClinGen allele CA1655036.